The following is an entry in ClinVar:

ClinVar aggregate classification (germline): Uncertain significance (1 of 4 stars; one submission).

Submission:

Quest Diagnostics Nichols Institute San Juan Capistrano
Classification: Uncertain significance. Last evaluated: 2023-09-19. Review status: criteria provided, single submitter. Criteria: Quest Diagnostics criteria. Collection method: clinical testing. Allele origin: unknown.
Comment: To the best of our knowledge, this variant has not been reported in the published literature. It also has not been reported in large, multi-ethnic general populations (Genome Aggregation Database). Analysis of this variant using software algorithms for the prediction of the effect of nucleotide changes on APOB mRNA splicing yielded predictions that this variant may result in the gain of a cryptic splice site without affecting the natural splice sites . Based on the available information, we are unable to determine the clinical significance of this variant.

Literature cited by the submitters: PubMed 9292950; PubMed 34677405.

NM_000384.3(APOB):c.1220_1270del (p.Leu407_Ala423del)

Gene: APOB (apolipoprotein B; minus strand). Cytogenetic location: 2p24.1.
Variant type: Deletion.
Coding change: c.1220_1270del on transcript NM_000384.3 (MANE Select); coding-DNA positions 1220 to 1270, 51 bases deleted.
Protein change: p.Leu407_Ala423del.
Molecular consequence: inframe deletion.
Genome position (GRCh38, 1-based): chr2:21,032,436-21,032,486, 51 bases deleted. GRCh37 (hg19): chr2:21,255,309-21,255,359.
Identifiers: ClinVar variation 2681859 (VCV002681859.1), dbSNP rs2465432653, ClinGen allele CA2697547853.